The following is an entry in ClinVar:

ClinVar aggregate classification (germline): Likely benign. Review status: criteria provided, multiple submitters, no conflicts (2 of 4 stars). 3 submissions from 3 submitters: Likely benign (3). Last evaluated 2025-05-18.

Conditions:
T-B+ severe combined immunodeficiency due to JAK3 deficiency. Also called: SCID, T CELL-NEGATIVE, B CELL-POSITIVE, NK CELL-NEGATIVE; SCID, autosomal recessive, T-negative/B-positive type. Identifiers: Orphanet 35078, MedGen C1833275, MONDO:0010938, OMIM 600802.

Allele frequency attached by ClinVar (database versions not stated): gnomAD 0.00002; ExAC 0.00003.
gnomAD v4.1: 22 of 1,614,074 alleles (0.0014%); highest among the groups gnomAD compares: East Asian, 0.0067%; no homozygotes.

Submissions (3):

Labcorp Genetics (formerly Invitae), Labcorp
Classification: Likely benign for T-B+ severe combined immunodeficiency due to JAK3 deficiency. Last evaluated: 2025-05-18. Review status: criteria provided, single submitter. Criteria: Invitae Variant Classification Sherloc (09022015). Collection method: clinical testing. Allele origin: germline.

CeGaT Center for Human Genetics Tuebingen
Classification: Likely benign. Last evaluated: 2022-10-01. Review status: criteria provided, single submitter. Criteria: CeGaT Center For Human Genetics Tuebingen Variant Classification Criteria Version 2. Collection method: clinical testing. Allele origin: germline. Affected: yes. Observed: 1 variant allele.
Comment: JAK3: BP4, BP7

Breakthrough Genomics
Classification: Likely benign. Review status: criteria provided, single submitter. Criteria: ACMG Guidelines, 2015. Collection method: not provided. Allele origin: germline. Inheritance: Autosomal recessive inheritance. Affected: yes.

NM_000215.4(JAK3):c.2529G>A (p.Pro843=)

Gene: JAK3 (Janus kinase 3; minus strand). Cytogenetic location: 19p13.11.
Variant type: single nucleotide variant.
Coding change: c.2529G>A on transcript NM_000215.4 (MANE Select); coding-DNA position 2529, G replaced by A.
Protein change: p.Pro843=; no amino-acid change (proline 843 retained).
Molecular consequence: synonymous variant.
Genome position (GRCh38, 1-based): chr19:17,832,670, C>T on the plus strand (G>A on the coding strand, the complement: JAK3 is on the minus strand). VCF-style: chr19-17832670-C-T. GRCh37 (hg19) VCF-style: chr19-17943479-C-T.
Identifiers: ClinVar variation 1103953 (VCV001103953.33), dbSNP rs775003661, ClinGen allele CA9301579.
Genomic context (GRCh38, chr19:17,832,670, plus strand): 5'-GTCTGGCCCGCTGTGCTGCAGCTGTTTCACGGCCACCAGGGCACCTGTATTGTCGCCTAG[C>T]GGGTCATAGCGGCACAGCTCCACGCTGCCAAAGTTGCCCTGGGGGATAGCGGGACTGATG-3'
Protein context (NP_000206.2, residues 833-853): FGSVELCRYD[Pro843=]LGDNTGALVA